The following is an entry in ClinVar:

ClinVar aggregate classification (germline): Uncertain significance (1 of 4 stars; one submission).

Submission:

GeneDx
Classification: Uncertain significance. Last evaluated: 2025-06-02. Review status: criteria provided, single submitter. Criteria: GeneDx Variant Classification Process June 2021. Collection method: clinical testing. Allele origin: germline. Affected: yes.
Comment: Not observed at significant frequency in large population cohorts (gnomAD); In silico analysis supports that this missense variant has a deleterious effect on protein structure/function; Has not been previously published as pathogenic or benign to our knowledge

NM_001256012.3(MYH10):c.2477C>A (p.Ala826Asp)

Gene: MYH10 (myosin heavy chain 10; minus strand). Cytogenetic location: 17p13.1.
Variant type: single nucleotide variant.
Coding change: c.2477C>A on transcript NM_001256012.3 (MANE Select); coding-DNA position 2477, C replaced by A.
Protein change: p.Ala826Asp; replaces alanine 826 with aspartic acid.
Molecular consequence: missense variant.
Genome position (GRCh38, 1-based): chr17:8,518,658, G>T on the plus strand (C>A on the coding strand, the complement: MYH10 is on the minus strand). VCF-style: chr17-8518658-G-T. GRCh37 (hg19) VCF-style: chr17-8421976-G-T.
Other names: c.2384C>A, p.Ala795Asp (NM_005964.5); c.2411C>A, p.Ala804Asp (NM_001256095.2); c.2414C>A, p.Ala805Asp (NM_001375266.1); short protein forms A795D, A804D, A805D, A826D.
Identifiers: ClinVar variation 4536368 (VCV004536368.1).